The following is an entry in ClinVar:

NM_001715.3(BLK):c.*371C>A

Gene: BLK (BLK proto-oncogene, Src family tyrosine kinase). Cytogenetic location: 8p23.1.
Variant type: single nucleotide variant.
Coding change: c.*371C>A on transcript NM_001715.3 (MANE Select); 371 bases downstream of the stop codon, C replaced by A.
Molecular consequence: 3 prime UTR variant.
Genome position (GRCh38, 1-based): chr8:11,564,479, C>A. VCF-style: chr8-11564479-C-A. GRCh37 (hg19) VCF-style: chr8-11421988-C-A.
Other names: c.*371C>A (NM_001330465.2).
Identifiers: ClinVar variation 909973 (VCV000909973.4), dbSNP rs774038408, ClinGen allele CA4630562.

ClinVar aggregate classification (germline): Likely benign (1 of 4 stars; one submission).

Conditions:
Maturity-onset diabetes of the young type 11. Identifiers: Orphanet 552, MedGen C3150618, MONDO:0013242, OMIM 613375.

Allele frequency attached by ClinVar (database versions not stated): TOPMed 0.00001; gnomAD 0.00004 and 0.00010; gnomAD exomes 0.00043 and 0.00053; ExAC 0.00114.
gnomAD v4.1: 200 of 521,302 alleles (0.038%); highest among the groups gnomAD compares: South Asian, 0.28%; 5 homozygotes.

Submission:

Illumina Laboratory Services, Illumina
Classification: Likely benign for Maturity-onset diabetes of the young type 11. Last evaluated: 2018-01-12. Review status: criteria provided, single submitter. Criteria: ICSL Variant Classification Criteria 13 December 2019. Collection method: clinical testing. Allele origin: germline.
Comment: This variant was observed in the ICSL laboratory as part of a predisposition screen in an ostensibly healthy population. It had not been previously curated by ICSL or reported in the Human Gene Mutation Database (HGMD: prior to June 1st, 2018), and was therefore a candidate for classification through an automated scoring system. Utilizing variant allele frequency, disease prevalence and penetrance estimates, and inheritance mode, an automated score was calculated to assess if this variant is too frequent to cause the disease. Based on the score and internal cut-off values, a variant classified as likely benign is not then subjected to further curation. The score for this variant resulted in a classification of likely benign for this disease.